The following is an entry in ClinVar:

ClinVar aggregate classification (germline): Benign. Review status: criteria provided, multiple submitters, no conflicts (2 of 4 stars). 2 submissions from 2 submitters: Benign (2). Last evaluated 2018-01-12.

Conditions:
Alport syndrome. Also called: Hemorrhagic familial nephritis; Hemorrhagic hereditary nephritis; Congenital hereditary hematuria. Identifiers: Orphanet 63, MedGen C1567741, MONDO:0018965.

Allele frequency attached by ClinVar (database versions not stated): gnomAD 0.30825 and 0.30885; TOPMed 0.30911; 1000 Genomes Project 0.30970; gnomAD exomes 0.33412.
gnomAD v4.1: 47,255 of 152,336 alleles (31%); highest among the groups gnomAD compares: Admixed American, 39%; 7,712 homozygotes.

Submissions (2):

Illumina Laboratory Services, Illumina
Classification: Benign for Alport syndrome. Last evaluated: 2018-01-12. Review status: criteria provided, single submitter. Criteria: ICSL Variant Classification Criteria 13 December 2019. Collection method: clinical testing. Allele origin: germline.
Comment: This variant was observed in the ICSL laboratory as part of a predisposition screen in an ostensibly healthy population. It had not been previously curated by ICSL or reported in the Human Gene Mutation Database (HGMD: prior to June 1st, 2018), and was therefore a candidate for classification through an automated scoring system. Utilizing variant allele frequency, disease prevalence and penetrance estimates, and inheritance mode, an automated score was calculated to assess if this variant is too frequent to cause the disease. Based on the score and internal cut-off values, a variant classified as benign is not then subjected to further curation. The score for this variant resulted in a classification of benign for this disease.

Breakthrough Genomics
Classification: Benign. Review status: criteria provided, single submitter. Criteria: ACMG Guidelines, 2015. Collection method: not provided. Allele origin: germline. Inheritance: Autosomal recessive inheritance. Affected: yes.

NM_000091.5(COL4A3):c.*2652G>A

Genes: COL4A3 (collagen type IV alpha 3 chain; plus strand), MFF-DT (MFF divergent transcript; minus strand). Cytogenetic location: 2q36.3.
Variant type: single nucleotide variant.
Coding change: c.*2652G>A on transcript NM_000091.5 (MANE Select); 2652 bases downstream of the stop codon, G replaced by A.
Molecular consequence: 3 prime UTR variant.
Genome position (GRCh38, 1-based): chr2:227,314,522, G>A. VCF-style: chr2-227314522-G-A. GRCh37 (hg19) VCF-style: chr2-228179238-G-A.
Identifiers: ClinVar variation 334826 (VCV000334826.6), dbSNP rs57817160, ClinGen allele CA10614481.
Genomic context (GRCh38, chr2:227,314,522, plus strand): 5'-TCACAGCGTGCTAAAATAACAGATTTCTCAGAAGTCTTTCAGCAAGATAAACATTATTAA[G>A]TAACTTATTTATGAAAGTATTAAAATGCTTACATTTGAACTTGATGGCTAACTTACAAAG-3'